The following is an entry in ClinVar:

NM_014484.5(MOCS3):c.1286C>T (p.Ser429Leu)

Gene: MOCS3 (molybdenum cofactor synthesis 3; plus strand). Cytogenetic location: 20q13.13.
Variant type: single nucleotide variant.
Coding change: c.1286C>T on transcript NM_014484.5 (MANE Select); coding-DNA position 1286, C replaced by T.
Protein change: p.Ser429Leu; replaces serine 429 with leucine.
Molecular consequence: missense variant.
Genome position (GRCh38, 1-based): chr20:50,960,128, C>T. VCF-style: chr20-50960128-C-T. GRCh37 (hg19) VCF-style: chr20-49576665-C-T.
Other names: short protein forms S429L.
Identifiers: ClinVar variation 3021058 (VCV003021058.3), dbSNP rs1343570368, ClinGen allele CA408986800.

ClinVar aggregate classification (germline): Uncertain significance (1 of 4 stars; one submission).

Allele frequency attached by ClinVar (database versions not stated): gnomAD 0.00001; TOPMed 0.00001.
gnomAD v4.1: 5 of 1,614,136 alleles (0.00031%); highest among the groups gnomAD compares: South Asian, 0.0011%; no homozygotes.

Submission:

Labcorp Genetics (formerly Invitae), Labcorp
Classification: Uncertain significance. Last evaluated: 2022-11-08. Review status: criteria provided, single submitter. Criteria: Invitae Variant Classification Sherloc (09022015). Collection method: clinical testing. Allele origin: germline.
Comment: Algorithms developed to predict the effect of missense changes on protein structure and function (SIFT, PolyPhen-2, Align-GVGD) all suggest that this variant is likely to be tolerated. In summary, the available evidence is currently insufficient to determine the role of this variant in disease. Therefore, it has been classified as a Variant of Uncertain Significance. This variant has not been reported in the literature in individuals affected with MOCS3-related conditions. This variant is present in population databases (no rsID available, gnomAD 0.003%). This sequence change replaces serine, which is neutral and polar, with leucine, which is neutral and non-polar, at codon 429 of the MOCS3 protein (p.Ser429Leu).